The following is an entry in ClinVar:

NM_004168.4(SDHA):c.493G>A (p.Asp165Asn)

Gene: SDHA (succinate dehydrogenase complex flavoprotein subunit A; plus strand). Cytogenetic location: 5p15.33.
Variant type: single nucleotide variant.
Coding change: c.493G>A on transcript NM_004168.4 (MANE Select); coding-DNA position 493, G replaced by A.
Protein change: p.Asp165Asn; replaces aspartic acid 165 with asparagine.
Molecular consequence: missense variant.
Genome position (GRCh38, 1-based): chr5:225,919, G>A. VCF-style: chr5-225919-G-A. GRCh37 (hg19) VCF-style: chr5-226034-G-A.
Other names: c.349G>A, p.Asp117Asn (NM_001294332.2); c.493G>A, p.Asp165Asn (NM_001330758.2); short protein forms D117N, D165N.
Identifiers: ClinVar variation 1057047 (VCV001057047.13), dbSNP rs1734989215, ClinGen allele CA359010015.

ClinVar aggregate classification (germline): Uncertain significance. Review status: criteria provided, multiple submitters, no conflicts (2 of 4 stars). 3 submissions from 3 submitters: Uncertain significance (3). Last evaluated 2025-08-24.

Conditions:
Mitochondrial complex II deficiency, nuclear type 1. Also called: SUCCINATE CoQ REDUCTASE DEFICIENCY. Identifiers: Orphanet 3208, MedGen C5700310, MONDO:0100294, OMIM 252011.
Pheochromocytoma/paraganglioma syndrome 5. Also called: Paragangliomas 5; SDHA-Related Hereditary Paraganglioma-Pheochromocytoma Syndrome. Identifiers: Orphanet 29072, MedGen C3279992, MONDO:0013602, OMIM 614165.
Hereditary cancer-predisposing syndrome. Also called: Tumor predisposition; Hereditary neoplastic syndrome; Neoplastic Syndromes, Hereditary; Hereditary Cancer Syndrome. Identifiers: Orphanet 140162, MedGen C0027672, MeSH D009386, MONDO:0015356.
Dilated cardiomyopathy 1GG (CMD1GG). Identifiers: Orphanet 154, MedGen C3150898, MONDO:0013339, OMIM 613642.

Allele frequency attached by ClinVar (database versions not stated): gnomAD 0.00001; TOPMed 0.00001.
gnomAD v4.1: 1 of 1,613,418 alleles (0.000062%); highest among the groups gnomAD compares: Admixed American, 0.0017%; no homozygotes.

Submissions (3):

Labcorp Genetics (formerly Invitae), Labcorp
Classification: Uncertain significance for Pheochromocytoma/paraganglioma syndrome 5; Mitochondrial complex II deficiency, nuclear type 1. Last evaluated: 2025-08-24. Review status: criteria provided, single submitter. Criteria: Invitae Variant Classification Sherloc (09022015). Collection method: clinical testing. Allele origin: germline.
Comment: This sequence change replaces aspartic acid, which is acidic and polar, with asparagine, which is neutral and polar, at codon 165 of the SDHA protein (p.Asp165Asn). This variant is not present in population databases (gnomAD no frequency). This variant has not been reported in the literature in individuals affected with SDHA-related conditions. ClinVar contains an entry for this variant (Variation ID: 1057047). Invitae Evidence Modeling of protein sequence and biophysical properties (such as structural, functional, and spatial information, amino acid conservation, physicochemical variation, residue mobility, and thermodynamic stability) indicates that this missense variant is not expected to disrupt SDHA protein function with a negative predictive value of 95%. In summary, the available evidence is currently insufficient to determine the role of this variant in disease. Therefore, it has been classified as a Variant of Uncertain Significance.

Ambry Genetics
Classification: Uncertain significance for Hereditary cancer-predisposing syndrome. Last evaluated: 2025-05-27. Review status: criteria provided, single submitter. Criteria: Ambry Variant Classification Scheme 2023. Collection method: clinical testing. Allele origin: germline.
Comment: The p.D165N variant (also known as c.493G>A), located in coding exon 5 of the SDHA gene, results from a G to A substitution at nucleotide position 493. The aspartic acid at codon 165 is replaced by asparagine, an amino acid with highly similar properties. This amino acid position is conserved. In addition, this alteration is predicted to be tolerated by in silico analysis. Since supporting evidence is limited at this time, the clinical significance of this alteration remains unclear.

Baylor Genetics
Classification: Uncertain significance for Dilated cardiomyopathy 1GG. Last evaluated: 2024-02-05. Review status: criteria provided, single submitter. Criteria: ACMG Guidelines, 2015. Collection method: clinical testing. Allele origin: unknown.